The following is an entry in ClinVar:

NM_000237.3(LPL):c.250-8_250-6del

Gene: LPL (lipoprotein lipase; plus strand). Cytogenetic location: 8p21.3.
Variant type: Microsatellite.
Coding change: c.250-8_250-6del on transcript NM_000237.3 (MANE Select); 8 bases into the intron before coding-DNA position 250 through 6 bases into the intron before coding-DNA position 250, 3 bases deleted (ATC; older notation c.250-8_250-6delATC).
Molecular consequence: intron variant.
Genome position (GRCh38, 1-based): chr8:19,951,761-19,951,763, ATC deleted; deleting any 3 consecutive bases within chr8:19,951,756-19,951,763 gives the same sequence; the c. name uses the placement nearest the transcript's 3' end. VCF-style (leftmost placement, unchanged base first): chr8-19951755-GTCA-G. GRCh37 (hg19) VCF-style: chr8-19809266-GTCA-G.
Other names: c.250-8_250-6delATC (NM_000237.3).
Identifiers: ClinVar variation 2139675 (VCV002139675.9), dbSNP rs534870395, ClinGen allele CA4655364.
Genomic context (GRCh38, chr8:19,951,755, plus strand): 5'-AGGTGTATTGGGCTGATGTATCTATGACAAGTGGTAGGTGGGTATTTTAAGAAAGCTTGT[GTCA>G]TCATCTTCAGGTAACAGGAATGTATGAGAGTTGGGTGCCAAAACTTGTGGCCGCCCTGTA-3'

ClinVar aggregate classification (germline): Likely benign. Review status: criteria provided, multiple submitters, no conflicts (2 of 4 stars). 4 submissions from 4 submitters: Likely benign (3). 1 of the submissions does not count toward it. Last evaluated 2026-01-25.

Conditions:
LPL-related disorder. Also called: LPL-related condition.

Submissions (4):

Labcorp Genetics (formerly Invitae), Labcorp
Classification: Likely benign. Last evaluated: 2026-01-25. Review status: criteria provided, single submitter. Criteria: Invitae Variant Classification Sherloc (09022015). Collection method: clinical testing. Allele origin: germline.

Women's Health and Genetics/Laboratory Corporation of America, LabCorp
Classification: Likely benign. Last evaluated: 2025-04-24. Review status: criteria provided, single submitter. Criteria: LabCorp Variant Classification Summary - May 2015. Collection method: clinical testing. Allele origin: germline.
Comment: Variant summary: LPL c.250-8_250-6delATC alters a conserved nucleotide located at a position not widely known to affect splicing. Consensus agreement among computation tools predict no significant impact on normal splicing. However, these predictions have yet to be confirmed by functional studies. The variant allele was found at a frequency of 0.00014 in 251336 control chromosomes (gnomAD). This frequency is not significantly higher than estimated for a pathogenic variant in LPL causing Familial Lipoprotein Lipase Deficiency (0.00014 vs 0.0034), allowing no conclusion about variant significance. To our knowledge, no occurrence of c.250-8_250-6delATC in individuals affected with Familial Lipoprotein Lipase Deficiency and no experimental evidence demonstrating its impact on protein function have been reported. ClinVar contains an entry for this variant (Variation ID: 2139675). Based on the evidence outlined above, the variant was classified as likely benign.

Blueprint Genetics
Classification: Likely benign. Last evaluated: 2024-08-30. Review status: criteria provided, single submitter. Criteria: ACMG Guidelines, 2015. Collection method: clinical testing. Allele origin: germline.

PreventionGenetics, part of Exact Sciences
Classification: Likely benign for LPL-related condition. Last evaluated: 2019-06-25. Review status: no assertion criteria provided. Collection method: clinical testing. Allele origin: germline. Not counted in ClinVar's aggregate classification.
Comment: This variant is classified as likely benign based on ACMG/AMP sequence variant interpretation guidelines (Richards et al. 2015 PMID: 25741868, with internal and published modifications).